The following is an entry in ClinVar:

NM_001458.5(FLNC):c.5994C>A (p.Asn1998Lys)

Genes: FLNC (filamin C; plus strand), FLNC-AS1 (FLNC antisense RNA 1; minus strand). Cytogenetic location: 7q32.1.
Variant type: single nucleotide variant.
Coding change: c.5994C>A on transcript NM_001458.5 (MANE Select); coding-DNA position 5994, C replaced by A.
Protein change: p.Asn1998Lys; replaces asparagine 1998 with lysine.
Molecular consequence: missense variant.
Genome position (GRCh38, 1-based): chr7:128,852,742, C>A. VCF-style: chr7-128852742-C-A. GRCh37 (hg19) VCF-style: chr7-128492796-C-A.
Other names: c.5895C>A, p.Asn1965Lys (NM_001127487.2); short protein forms N1998K, N1965K.
Identifiers: ClinVar variation 2252301 (VCV002252301.6), dbSNP rs938889511, ClinGen allele CA166190005.

ClinVar aggregate classification (germline): Uncertain significance. Review status: criteria provided, multiple submitters, no conflicts (2 of 4 stars). 3 submissions from 3 submitters: Uncertain significance (3). Last evaluated 2024-12-18.

Conditions:
Distal myopathy with posterior leg and anterior hand involvement. Also called: WILLIAMS DISTAL MYOPATHY. Identifiers: Orphanet 63273, MedGen C3279722, MONDO:0013550, OMIM 614065.
Myofibrillar myopathy 5. Also called: Filaminopathy (type); FILAMINOPATHY, AUTOSOMAL DOMINANT. Identifiers: Orphanet 171445, MedGen C1836050, MONDO:0012289, OMIM 609524.
Hypertrophic cardiomyopathy 26. Also called: Cardiomyopathy, familial hypertrophic, 26. Identifiers: Orphanet 75249, MedGen C4310749, MONDO:0014883, OMIM 617047.
Cardiovascular phenotype. Identifiers: MedGen CN230736.

Allele frequency attached by ClinVar (database versions not stated): TOPMed 0.00001.

Submissions (3):

GeneDx
Classification: Uncertain significance. Last evaluated: 2024-12-18. Review status: criteria provided, single submitter. Criteria: GeneDx Variant Classification Process June 2021. Collection method: clinical testing. Allele origin: germline. Affected: yes.
Comment: Not observed at significant frequency in large population cohorts (gnomAD); In silico analysis supports that this missense variant has a deleterious effect on protein structure/function; Has not been previously published as pathogenic or benign to our knowledge

Labcorp Genetics (formerly Invitae), Labcorp
Classification: Uncertain significance for Distal myopathy with posterior leg and anterior hand involvement; Myofibrillar myopathy 5; Hypertrophic cardiomyopathy 26. Last evaluated: 2024-01-11. Review status: criteria provided, single submitter. Criteria: Invitae Variant Classification Sherloc (09022015). Collection method: clinical testing. Allele origin: germline.
Comment: This sequence change replaces asparagine, which is neutral and polar, with lysine, which is basic and polar, at codon 1998 of the FLNC protein (p.Asn1998Lys). This variant is not present in population databases (gnomAD no frequency). This variant has not been reported in the literature in individuals affected with FLNC-related conditions. ClinVar contains an entry for this variant (Variation ID: 2252301). Advanced modeling of protein sequence and biophysical properties (such as structural, functional, and spatial information, amino acid conservation, physicochemical variation, residue mobility, and thermodynamic stability) has been performed at Invitae for this missense variant, however the output from this modeling did not meet the statistical confidence thresholds required to predict the impact of this variant on FLNC protein function. In summary, the available evidence is currently insufficient to determine the role of this variant in disease. Therefore, it has been classified as a Variant of Uncertain Significance.

Ambry Genetics
Classification: Uncertain significance for Cardiovascular phenotype. Last evaluated: 2021-09-27. Review status: criteria provided, single submitter. Criteria: Ambry Variant Classification Scheme 2023. Collection method: clinical testing. Allele origin: germline.